The following is an entry in ClinVar:

NM_000199.5(SGSH):c.44dup (p.Leu17fs)

Gene: SGSH (N-sulfoglucosamine sulfohydrolase; minus strand). Cytogenetic location: 17q25.3.
Variant type: Duplication.
Coding change: c.44dup on transcript NM_000199.5 (MANE Select); coding-DNA position 44, one base duplicated (T; older notation c.44dupT).
Protein change: p.Leu17fs; shifts the reading frame from leucine 17.
Molecular consequence: frameshift variant. On other transcripts: non-coding transcript variant (1).
Genome position (GRCh38, 1-based): chr17:80,220,270, A duplicated on the plus strand (T on the coding strand, the reverse complement: SGSH is on the minus strand). VCF-style (leftmost placement, unchanged base first): chr17-80220269-C-CA. GRCh37 (hg19) VCF-style: chr17-78194068-C-CA.
Other names: c.44dup, p.Leu17fs (NM_001352921.3, NM_001352922.2); short protein forms L17fs.
Identifiers: ClinVar variation 5011923 (VCV005011923.1).
Genomic context (GRCh38, chr17:80,220,269, plus strand): 5'-GCGGCGCCGGCACTCACCGAGGAGCAGCAGTGCGTTCCGGGGACGCGCCCGGCAGAGCCC[C>CA]AGGACTAGCAGCAGCGCGCAGCAGGCGGGCACGGGGCAGCTCATGGCGGCGGCGGCTCGG-3'

ClinVar aggregate classification (germline): Pathogenic (1 of 4 stars; one submission).

Conditions:
Mucopolysaccharidosis, MPS-III-A (MPS3A). Also called: HEPARAN SULFATE SULFATASE DEFICIENCY; SANFILIPPO SYNDROME A; SULFAMIDASE DEFICIENCY; MPS III A; MUCOPOLYSACCHARIDOSIS, TYPE IIIA, ATTENUATED; Mucopolysaccharidosis type IIIA (Sanfilippo A). Identifiers: Orphanet 581, Orphanet 79269, MedGen C0086647, MONDO:0009655, OMIM 252900.

Submission:

Myriad Genetics, Inc.
Classification: Pathogenic for Mucopolysaccharidosis, MPS-III-A. Last evaluated: 2023-09-27. Review status: criteria provided, single submitter. Criteria: Myriad Autosomal Dominant, Autosomal Recessive and X-Linked Classification Criteria (2023). Collection method: clinical testing. Allele origin: unknown.
Comment: NM_000199.3(SGSH):c.44dupT(L17Afs*16) is expected to be pathogenic in the context of mucopolysaccharidosis type IIIA. This variant is predicted to lead to an abnormal or absent protein product due to the creation of a premature termination codon in SGSH, a gene where loss-of-function variants are known to be pathogenic. Please note: this variant was assessed in the context of healthy population screening.